The following is an entry in ClinVar:

ClinVar aggregate classification (germline): Uncertain significance. Review status: criteria provided, multiple submitters, no conflicts (2 of 4 stars). 2 submissions from 2 submitters: Uncertain significance (2). Last evaluated 2025-09-05.

Conditions:
Primary ciliary dyskinesia. Also called: Ciliary dyskinesia. Identifiers: Orphanet 244, MedGen C0008780, MONDO:0016575, HP:0012265.
Primary ciliary dyskinesia 17. Also called: CILIARY DYSKINESIA, PRIMARY, 17, WITH OR WITHOUT SITUS INVERSUS. Identifiers: Orphanet 244, MedGen C3542550, MONDO:0013854, OMIM 614679.

Allele frequency attached by ClinVar (database versions not stated): TOPMed below 0.00001; ExAC 0.00001; gnomAD 0.00001; gnomAD exomes 0.00003; ESP Exome Variant Server 0.00008.
gnomAD v4.1: 52 of 1,614,080 alleles (0.0032%); highest among the groups gnomAD compares: Non-Finnish European, 0.0041%; no homozygotes.

Submissions (2):

Labcorp Genetics (formerly Invitae), Labcorp
Classification: Uncertain significance for Primary ciliary dyskinesia. Last evaluated: 2025-09-05. Review status: criteria provided, single submitter. Criteria: Invitae Variant Classification Sherloc (09022015). Collection method: clinical testing. Allele origin: germline.
Comment: This sequence change replaces glutamic acid, which is acidic and polar, with lysine, which is basic and polar, at codon 93 of the CCDC103 protein (p.Glu93Lys). This variant is present in population databases (rs374023294, gnomAD 0.007%). This variant has not been reported in the literature in individuals affected with CCDC103-related conditions. ClinVar contains an entry for this variant (Variation ID: 2074548). An algorithm developed to predict the effect of missense changes on protein structure and function outputs the following: PolyPhen-2: "Benign". The lysine amino acid residue is found in multiple mammalian species, which suggests that this missense change does not adversely affect protein function. Algorithms developed to predict the effect of sequence changes on RNA splicing suggest that this variant may disrupt the consensus splice site. In summary, the available evidence is currently insufficient to determine the role of this variant in disease. Therefore, it has been classified as a Variant of Uncertain Significance.

Revvity Omics, Revvity
Classification: Uncertain significance for Primary ciliary dyskinesia 17. Last evaluated: 2021-02-18. Review status: criteria provided, single submitter. Criteria: ACMG Guidelines, 2015. Collection method: clinical testing. Allele origin: germline.

NM_213607.3(DNAAF19):c.277G>A (p.Glu93Lys)

Gene: DNAAF19 (dynein axonemal assembly factor 19; plus strand). Cytogenetic location: 17q21.31.
Variant type: single nucleotide variant.
Coding change: c.277G>A on transcript NM_213607.3 (MANE Select); coding-DNA position 277, G replaced by A.
Protein change: p.Glu93Lys; replaces glutamic acid 93 with lysine.
Molecular consequence: missense variant. On other transcripts: 3 prime UTR variant (1), intron variant (1).
Genome position (GRCh38, 1-based): chr17:44,902,365, G>A. VCF-style: chr17-44902365-G-A. GRCh37 (hg19) VCF-style: chr17-42979733-G-A.
Other names: c.277G>A (NM_213607.2); c.277G>A, p.Glu93Lys (NM_001258395.2, NM_001258396.2); c.*27G>A (NM_001258397.3); c.281G>A, p.Gly94Glu (NM_001258399.2); c.281-3G>A (NM_001258398.3); short protein forms E93K, G94E.
Identifiers: ClinVar variation 2074548 (VCV002074548.5), dbSNP rs374023294, ClinGen allele CA8608335.
Genomic context (GRCh38, chr17:44,902,365, plus strand): 5'-GTCACTGTTGCAGAACAGCTGGAAGAGCTCCTGACTCCCTTTCCTTCCTTTGTGGTCCAG[G>A]AGAAAGCCCCCCTCCAGCCCGAGACGTCTGCTGACTTCTATCGTGATTGGCGACGACACT-3'
Protein context (NP_998772.1, residues 83-103): FQDVATEISP[Glu93Lys]KAPLQPETSA